The following is an entry in ClinVar:

ClinVar aggregate classification (germline): Uncertain significance. Review status: criteria provided, multiple submitters, no conflicts (2 of 4 stars). 4 submissions from 4 submitters: Uncertain significance (4). Last evaluated 2025-11-07.

Conditions:
Familial thoracic aortic aneurysm and aortic dissection (TAAD). Also called: Thoracic aortic aneurysms and dissections. Identifiers: Orphanet 91387, MedGen C4707243, MONDO:0019625.
Ehlers-Danlos syndrome, kyphoscoliotic type 1 (EDSKSCL1). Also called: EHLERS-DANLOS SYNDROME, OCULAR-SCOLIOTIC TYPE; EHLERS-DANLOS SYNDROME, TYPE VIA; Ehlers-Danlos syndrome, hydroxylysine-deficient; PLOD1-Related Kyphoscoliotic Ehlers-Danlos Syndrome. Identifiers: Orphanet 1900, MedGen C0268342, MONDO:0016002, OMIM 225400. Disease mechanism: loss of function.

Allele frequency attached by ClinVar (database versions not stated): gnomAD 0.00001; gnomAD exomes 0.00002; ExAC 0.00003; TOPMed 0.00006; ESP Exome Variant Server 0.00008.
gnomAD v4.1: 36 of 1,612,770 alleles (0.0022%); highest among the groups gnomAD compares: Middle Eastern, 0.036%; 1 homozygote.

Submissions (4):

Ambry Genetics
Classification: Uncertain significance for Familial thoracic aortic aneurysm and aortic dissection. Last evaluated: 2025-11-07. Review status: criteria provided, single submitter. Criteria: Ambry Variant Classification Scheme 2023. Collection method: clinical testing. Allele origin: germline.
Comment: The p.A366T variant (also known as c.1096G>A), located in coding exon 10 of the PLOD1 gene, results from a G to A substitution at nucleotide position 1096. The alanine at codon 366 is replaced by threonine, an amino acid with similar properties. This amino acid position is not well conserved in available vertebrate species. In addition, this alteration is predicted to be tolerated by in silico analysis. Based on the available evidence, the clinical significance of this variant remains unclear.

Labcorp Genetics (formerly Invitae), Labcorp
Classification: Uncertain significance for Ehlers-Danlos syndrome, kyphoscoliotic type 1. Last evaluated: 2025-02-25. Review status: criteria provided, single submitter. Criteria: Invitae Variant Classification Sherloc (09022015). Collection method: clinical testing. Allele origin: germline.
Comment: This sequence change replaces alanine, which is neutral and non-polar, with threonine, which is neutral and polar, at codon 366 of the PLOD1 protein (p.Ala366Thr). This variant is present in population databases (rs367592901, gnomAD 0.006%). This variant has not been reported in the literature in individuals affected with PLOD1-related conditions. ClinVar contains an entry for this variant (Variation ID: 1206819). Invitae Evidence Modeling of protein sequence and biophysical properties (such as structural, functional, and spatial information, amino acid conservation, physicochemical variation, residue mobility, and thermodynamic stability) indicates that this missense variant is not expected to disrupt PLOD1 protein function with a negative predictive value of 95%. In summary, the available evidence is currently insufficient to determine the role of this variant in disease. Therefore, it has been classified as a Variant of Uncertain Significance.

Department of Pathology and Laboratory Medicine, Sinai Health System
Classification: Uncertain significance for Ehlers-Danlos syndrome, kyphoscoliotic type 1. Last evaluated: 2022-04-07. Review status: criteria provided, single submitter. Criteria: ACMG Guidelines, 2015. Collection method: research. Allele origin: germline.

GeneDx
Classification: Uncertain significance. Last evaluated: 2019-09-23. Review status: criteria provided, single submitter. Criteria: GeneDx Variant Classification Process June 2021. Collection method: clinical testing. Allele origin: germline. Affected: yes.
Comment: Has not been previously published as pathogenic or benign to our knowledge; Not observed at a significant frequency in large population cohorts (Lek et al., 2016); In silico analysis, which includes protein predictors and evolutionary conservation, supports that this variant does not alter protein structure/function

NM_000302.4(PLOD1):c.1096G>A (p.Ala366Thr)

Gene: PLOD1 (procollagen-lysine,2-oxoglutarate 5-dioxygenase 1; plus strand). Cytogenetic location: 1p36.22.
Variant type: single nucleotide variant.
Coding change: c.1096G>A on transcript NM_000302.4 (MANE Select); coding-DNA position 1096, G replaced by A.
Protein change: p.Ala366Thr; replaces alanine 366 with threonine.
Molecular consequence: missense variant.
Genome position (GRCh38, 1-based): chr1:11,960,766, G>A. VCF-style: chr1-11960766-G-A. GRCh37 (hg19) VCF-style: chr1-12020823-G-A.
Other names: c.1237G>A, p.Ala413Thr (NM_001316320.2); short protein forms A366T, A413T.
Identifiers: ClinVar variation 1206819 (VCV001206819.10), dbSNP rs367592901, ClinGen allele CA598258.